The following is an entry in ClinVar:

ClinVar aggregate classification (germline): Uncertain significance. Review status: criteria provided, multiple submitters, no conflicts (2 of 4 stars). 3 submissions from 3 submitters: Uncertain significance (3). Last evaluated 2023-04-11.

Conditions:
Developmental and epileptic encephalopathy, 18 (DEE18). Also called: Early infantile epileptic encephalopathy 18. Identifiers: Orphanet 369894, MedGen C3809624, MONDO:0014201, OMIM 615476.
Inborn genetic diseases. Identifiers: MedGen C0950123, MeSH D030342.

Allele frequency attached by ClinVar (database versions not stated): gnomAD 0.00002; TOPMed 0.00002.
gnomAD v4.1: 14 of 1,612,308 alleles (0.00087%); highest among the groups gnomAD compares: Admixed American, 0.013%; no homozygotes.

Submissions (3):

Genome-Nilou Lab
Classification: Uncertain significance for Developmental and epileptic encephalopathy, 18. Last evaluated: 2023-04-11. Review status: criteria provided, single submitter. Criteria: ACMG Guidelines, 2015. Collection method: clinical testing. Allele origin: germline. Affected: no.

Labcorp Genetics (formerly Invitae), Labcorp
Classification: Uncertain significance. Last evaluated: 2022-08-18. Review status: criteria provided, single submitter. Criteria: Invitae Variant Classification Sherloc (09022015). Collection method: clinical testing. Allele origin: germline.
Comment: This sequence change replaces glycine, which is neutral and non-polar, with arginine, which is basic and polar, at codon 1608 of the SZT2 protein (p.Gly1608Arg). This variant is present in population databases (no rsID available, gnomAD 0.01%). This variant has not been reported in the literature in individuals affected with SZT2-related conditions. ClinVar contains an entry for this variant (Variation ID: 641849). Algorithms developed to predict the effect of missense changes on protein structure and function are either unavailable or do not agree on the potential impact of this missense change (SIFT: "Tolerated"; PolyPhen-2: "Probably Damaging"; Align-GVGD: "Class C0"). In summary, the available evidence is currently insufficient to determine the role of this variant in disease. Therefore, it has been classified as a Variant of Uncertain Significance.

Ambry Genetics
Classification: Uncertain significance for Inborn genetic diseases. Last evaluated: 2019-11-13. Review status: criteria provided, single submitter. Criteria: Ambry Variant Classification Scheme 2023. Collection method: clinical testing. Allele origin: germline.
Comment: The p.G1608R variant (also known as c.4822G>A), located in coding exon 33 of the SZT2 gene, results from a G to A substitution at nucleotide position 4822. The glycine at codon 1608 is replaced by arginine, an amino acid with dissimilar properties. This amino acid position is well conserved in available vertebrate species. In addition, this alteration is predicted to be tolerated by in silico analysis. Since supporting evidence is limited at this time, the clinical significance of this alteration remains unclear.

NM_001365999.1(SZT2):c.4993G>A (p.Gly1665Arg)

Gene: SZT2 (SZT2 subunit of KICSTOR complex; plus strand). Cytogenetic location: 1p34.2.
Variant type: single nucleotide variant.
Coding change: c.4993G>A on transcript NM_001365999.1 (MANE Select); coding-DNA position 4993, G replaced by A.
Protein change: p.Gly1665Arg; replaces glycine 1665 with arginine.
Molecular consequence: missense variant.
Genome position (GRCh38, 1-based): chr1:43,431,341, G>A. VCF-style: chr1-43431341-G-A. GRCh37 (hg19) VCF-style: chr1-43897012-G-A.
Other names: c.4822G>A, p.Gly1608Arg (NM_015284.4); short protein forms G1665R, G1608R.
Identifiers: ClinVar variation 641849 (VCV000641849.8), dbSNP rs892465059, ClinGen allele CA21637629.